The following is an entry in ClinVar:

NM_004055.5(CAPN5):c.82G>A (p.Glu28Lys)

Gene: CAPN5 (calpain 5; plus strand). Cytogenetic location: 11q13.5.
Variant type: single nucleotide variant.
Coding change: c.82G>A on transcript NM_004055.5 (MANE Select); coding-DNA position 82, G replaced by A.
Protein change: p.Glu28Lys; replaces glutamic acid 28 with lysine.
Molecular consequence: missense variant.
Genome position (GRCh38, 1-based): chr11:77,084,968, G>A. VCF-style: chr11-77084968-G-A. GRCh37 (hg19) VCF-style: chr11-76796014-G-A.
Other names: short protein forms E28K.
Identifiers: ClinVar variation 501412 (VCV000501412.12), dbSNP rs202150535, ClinGen allele CA6196096.

ClinVar aggregate classification (germline): Conflicting classifications of pathogenicity. Review status: criteria provided, conflicting classifications (1 of 4 stars). 3 submissions from 3 submitters: Uncertain significance (2); Likely benign (1). Last evaluated 2025-08-06.

Allele frequency attached by ClinVar (database versions not stated): gnomAD exomes 0.00002 and 0.00006; ExAC 0.00008; ESP Exome Variant Server 0.00015; 1000 Genomes Project 30x 0.00016; 1000 Genomes Project 0.00020; gnomAD 0.00025 and 0.00026; TOPMed 0.00026.
gnomAD v4.1: 77 of 1,613,528 alleles (0.0048%); highest among the groups gnomAD compares: African/African-American, 0.065%; no homozygotes.

Submissions (3):

Labcorp Genetics (formerly Invitae), Labcorp
Classification: Uncertain significance. Last evaluated: 2025-08-06. Review status: criteria provided, single submitter. Criteria: Invitae Variant Classification Sherloc (09022015). Collection method: clinical testing. Allele origin: germline.
Comment: This sequence change replaces glutamic acid, which is acidic and polar, with lysine, which is basic and polar, at codon 28 of the CAPN5 protein (p.Glu28Lys). This variant is present in population databases (rs202150535, gnomAD 0.05%), and has an allele count higher than expected for a pathogenic variant. This variant has not been reported in the literature in individuals affected with CAPN5-related conditions. ClinVar contains an entry for this variant (Variation ID: 501412). Invitae Evidence Modeling of protein sequence and biophysical properties (such as structural, functional, and spatial information, amino acid conservation, physicochemical variation, residue mobility, and thermodynamic stability) indicates that this missense variant is not expected to disrupt CAPN5 protein function with a negative predictive value of 80%. In summary, the available evidence is currently insufficient to determine the role of this variant in disease. Therefore, it has been classified as a Variant of Uncertain Significance.

Blueprint Genetics
Classification: Likely benign. Last evaluated: 2023-12-29. Review status: criteria provided, single submitter. Criteria: ACMG Guidelines, 2015. Collection method: clinical testing. Allele origin: germline.

Eurofins Ntd Llc (ga)
Classification: Uncertain significance. Last evaluated: 2017-04-11. Review status: criteria provided, single submitter. Criteria: EGL Classification Definitions 2015. Collection method: clinical testing. Allele origin: germline. Observed: 1 variant allele, 1 heterozygote.